The following is an entry in ClinVar:

ClinVar aggregate classification (germline): Benign/Likely benign. Review status: criteria provided, multiple submitters, no conflicts (2 of 4 stars). 4 submissions from 4 submitters: Benign (1); Likely benign (2). 1 of the submissions does not count toward it. Last evaluated 2025-04-19.

Conditions:
RNF213-related disorder. Also called: RNF213-related condition.

Allele frequency attached by ClinVar (database versions not stated): 1000 Genomes Project 30x 0.00016; 1000 Genomes Project 0.00020; TOPMed 0.00027; gnomAD exomes 0.00044 and 0.00059; gnomAD 0.00053 and 0.00054; ESP Exome Variant Server 0.00054; ExAC 0.00079.

Submissions (4):

Labcorp Genetics (formerly Invitae), Labcorp
Classification: Benign. Last evaluated: 2025-04-19. Review status: criteria provided, single submitter. Criteria: Invitae Variant Classification Sherloc (09022015). Collection method: clinical testing. Allele origin: germline.

Blueprint Genetics
Classification: Likely benign. Last evaluated: 2024-11-12. Review status: criteria provided, single submitter. Criteria: ACMG Guidelines, 2015. Collection method: clinical testing. Allele origin: germline.

CeGaT Center for Human Genetics Tuebingen
Classification: Likely benign. Last evaluated: 2022-11-01. Review status: criteria provided, single submitter. Criteria: CeGaT Center For Human Genetics Tuebingen Variant Classification Criteria Version 2. Collection method: clinical testing. Allele origin: germline. Affected: yes. Observed: 1 variant allele.
Comment: RNF213: BP4

PreventionGenetics, part of Exact Sciences
Classification: Likely benign for RNF213-related condition. Last evaluated: 2024-03-11. Review status: no assertion criteria provided. Collection method: clinical testing. Allele origin: germline. Not counted in ClinVar's aggregate classification.
Comment: This variant is classified as likely benign based on ACMG/AMP sequence variant interpretation guidelines (Richards et al. 2015 PMID: 25741868, with internal and published modifications).

NM_001256071.3(RNF213):c.1471+8G>A

Gene: RNF213 (ring finger protein 213; plus strand). Cytogenetic location: 17q25.3.
Variant type: single nucleotide variant.
Coding change: c.1471+8G>A on transcript NM_001256071.3 (MANE Select); 8 bases into the intron after coding-DNA position 1471, G replaced by A.
Molecular consequence: intron variant.
Genome position (GRCh38, 1-based): chr17:80,291,835, G>A. VCF-style: chr17-80291835-G-A. GRCh37 (hg19) VCF-style: chr17-78265634-G-A.
Other names: c.1471+8G>A (NM_020954.4).
Identifiers: ClinVar variation 723139 (VCV000723139.33), dbSNP rs368777091, ClinGen allele CA8819569.
Genomic context (GRCh38, chr17:80,291,835, plus strand): 5'-CGAGTACGTCAACCGCTGTCTGTTCATAAAATCTTCACTTCTGGGCTCAGGAGGTAAGTC[G>A]TGGCAGCAGGCTGTCTGCTCACCCCTCCGGAGTGCAGGTGCCAATCCCGCGGTACTGGAC-3'